The following is an entry in ClinVar:

ClinVar aggregate classification (germline): Uncertain significance. Review status: criteria provided, multiple submitters, no conflicts (2 of 4 stars). 3 submissions from 3 submitters: Uncertain significance (3). Last evaluated 2025-06-25.

Conditions:
Inborn genetic diseases. Identifiers: MedGen C0950123, MeSH D030342.
Charcot-Marie-Tooth disease. Also called: Charcot-Marie-Tooth Hereditary Neuropathy; Charcot-Marie-Tooth Neuropathy. Identifiers: Orphanet 166, MedGen C0007959, MONDO:0015626.
Charcot-Marie-Tooth disease type 4. Also called: Charcot-Marie-Tooth, Type 4; Charcot-Marie-Tooth disease, type IV. Identifiers: Orphanet 64749, MedGen C4082197, MONDO:0018995.

Allele frequency attached by ClinVar (database versions not stated): TOPMed below 0.00001; ExAC 0.00001; gnomAD 0.00001; gnomAD exomes 0.00001.
gnomAD v4.1: 6 of 1,613,934 alleles (0.00037%); highest among the groups gnomAD compares: African/African-American, 0.0013%; no homozygotes.

Submissions (3):

Ambry Genetics
Classification: Uncertain significance for Inborn genetic diseases. Last evaluated: 2025-06-25. Review status: criteria provided, single submitter. Criteria: Ambry Variant Classification Scheme 2023. Collection method: clinical testing. Allele origin: germline.

Labcorp Genetics (formerly Invitae), Labcorp
Classification: Uncertain significance for Charcot-Marie-Tooth disease type 4. Last evaluated: 2024-10-08. Review status: criteria provided, single submitter. Criteria: Invitae Variant Classification Sherloc (09022015). Collection method: clinical testing. Allele origin: germline.
Comment: This sequence change replaces cysteine, which is neutral and slightly polar, with tyrosine, which is neutral and polar, at codon 1273 of the SH3TC2 protein (p.Cys1273Tyr). This variant is present in population databases (rs781625125, gnomAD 0.003%). This missense change has been observed in individual(s) with SH3TC2-related conditions (PMID: 32376792). ClinVar contains an entry for this variant (Variation ID: 916956). Invitae Evidence Modeling of protein sequence and biophysical properties (such as structural, functional, and spatial information, amino acid conservation, physicochemical variation, residue mobility, and thermodynamic stability) indicates that this missense variant is not expected to disrupt SH3TC2 protein function with a negative predictive value of 95%. In summary, the available evidence is currently insufficient to determine the role of this variant in disease. Therefore, it has been classified as a Variant of Uncertain Significance.

Molecular Genetics Laboratory, London Health Sciences Centre
Classification: Uncertain significance for Charcot-Marie-Tooth disease. Review status: criteria provided, single submitter. Criteria: ACMG Guidelines, 2015. Collection method: clinical testing. Allele origin: germline. Affected: yes.

Literature cited by the submitters: PubMed 32376792 (cited by Labcorp Genetics (formerly Invitae), Labcorp).

NM_024577.4(SH3TC2):c.3818G>A (p.Cys1273Tyr)

Gene: SH3TC2 (SH3 domain and tetratricopeptide repeats 2; minus strand). Cytogenetic location: 5q32.
Variant type: single nucleotide variant.
Coding change: c.3818G>A on transcript NM_024577.4 (MANE Select); coding-DNA position 3818, G replaced by A.
Protein change: p.Cys1273Tyr; replaces cysteine 1273 with tyrosine.
Molecular consequence: missense variant.
Genome position (GRCh38, 1-based): chr5:149,004,760, C>T on the plus strand (G>A on the coding strand, the complement: SH3TC2 is on the minus strand). VCF-style: chr5-149004760-C-T. GRCh37 (hg19) VCF-style: chr5-148384323-C-T.
Other names: short protein forms C1273Y.
Identifiers: ClinVar variation 916956 (VCV000916956.9), dbSNP rs781625125, ClinGen allele CA3498621.
Genomic context (GRCh38, chr5:149,004,760, plus strand): 5'-GACAGCTTTCCTCAGAGGGCCAGGCCACCACCACTCAGCCACCGCGCCCTCTCTGAGGAG[C>T]ACCCGGAGGGCCTGCTGTGCCACAGGGGGCTCTGGCAGATGTTGTCCAGCCTGCTCCTAA-3'
Protein context (NP_078853.2, residues 1263-1283): SPLWHSRPSG[Cys1273Tyr]SSERARWLSG